The following is an entry in ClinVar:

ClinVar aggregate classification (germline): Likely pathogenic (1 of 4 stars; one submission).

Conditions:
Dilated cardiomyopathy 1G (CMD1G). Identifiers: Orphanet 154, MedGen C1858763, MONDO:0011400, OMIM 604145.
Autosomal recessive limb-girdle muscular dystrophy type 2J (LGMDR10). Also called: Limb-girdle muscular dystrophy, type 2J; MUSCULAR DYSTROPHY, LIMB-GIRDLE, AUTOSOMAL RECESSIVE 10. Identifiers: Orphanet 140922, MedGen C1837342, MONDO:0012127, OMIM 608807.

Submission:

Labcorp Genetics (formerly Invitae), Labcorp
Classification: Likely pathogenic for Dilated cardiomyopathy 1G; Autosomal recessive limb-girdle muscular dystrophy type 2J. Last evaluated: 2025-05-01. Review status: criteria provided, single submitter. Criteria: Invitae Variant Classification Sherloc (09022015). Collection method: clinical testing. Allele origin: germline.
Comment: This sequence change creates a premature translational stop signal (p.Trp3377Glyfs*16) in the TTN gene. While this is not anticipated to result in nonsense mediated decay, it is expected to create a truncated TTN protein. This variant is not present in population databases (gnomAD no frequency). This variant has not been observed in the literature in individuals with autosomal recessive TTN-related conditions. This variant has been reported in individual(s) with autosomal dominant dilated cardiomyopathy (internal data); however, the role of the variant in this condition is currently unclear. ClinVar contains an entry for this variant (Variation ID: 1002593). This variant is located in the I band of TTN (PMID: 25589632). Truncating variants in this region have been reported in individuals affected with autosomal recessive centronuclear myopathy (PMID: 23975875, internal data). Truncating variants in this region have also been identified in individuals affected with autosomal dominant dilated cardiomyopathy and/or cardio-related conditions (PMID: 27869827, 32964742, internal data). In summary, the currently available evidence indicates that the variant is pathogenic, but additional data are needed to prove that conclusively. Therefore, this variant has been classified as Likely Pathogenic.

Literature cited by the submitters: PubMed 25589632; PubMed 23975875; PubMed 27869827; PubMed 32964742.

NM_001267550.2(TTN):c.10129del (p.Trp3377fs)

Gene: TTN (titin; minus strand). Cytogenetic location: 2q31.2.
Variant type: Deletion.
Coding change: c.10129del on transcript NM_001267550.2 (MANE Select); coding-DNA position 10129, one base deleted (T; older notation c.10129delT).
Protein change: p.Trp3377fs; shifts the reading frame from tryptophan 3377.
Molecular consequence: frameshift variant.
Genome position (GRCh38, 1-based): chr2:178,759,158, A deleted on the plus strand (T on the coding strand, the reverse complement: TTN is on the minus strand). VCF-style (leftmost placement, unchanged base first): chr2-178759157-CA-C. GRCh37 (hg19) VCF-style: chr2-179623884-CA-C.
Other names: c.10129del, p.Trp3377fs (NM_001256850.1, NM_133378.4, NM_133379.5); c.9991del, p.Trp3331fs (NM_003319.4, NM_133432.3, NM_133437.4); short protein forms W3331fs, W3377fs.
Identifiers: ClinVar variation 1002593 (VCV001002593.9), dbSNP rs2088238871, ClinGen allele CA1310610121.